The following is an entry in ClinVar:

NM_000059.4(BRCA2):c.1741T>C (p.Ser581Pro)

Gene: BRCA2 (BRCA2 DNA repair associated; plus strand). Cytogenetic location: 13q13.1.
Variant type: single nucleotide variant.
Coding change: c.1741T>C on transcript NM_000059.4 (MANE Select); coding-DNA position 1741, T replaced by C.
Protein change: p.Ser581Pro; replaces serine 581 with proline.
Molecular consequence: missense variant.
Genome position (GRCh38, 1-based): chr13:32,333,219, T>C. VCF-style: chr13-32333219-T-C. GRCh37 (hg19) VCF-style: chr13-32907356-T-C.
Other names: short protein forms S581P.
Identifiers: ClinVar variation 479328 (VCV000479328.16), dbSNP rs55667299, ClinGen allele CA247498087.
Genomic context (GRCh38, chr13:32,333,219, plus strand): 5'-GGAAGCTGGCCAGCCACCACCACACAGAATTCTGTAGCTTTGAAGAATGCAGGTTTAATA[T>C]CCACTTTGAAAAAGAAAACAAATAAGTTTATTTATGCTATACATGATGAAACATCTTATA-3'
Protein context (NP_000050.3, residues 571-591): SVALKNAGLI[Ser581Pro]TLKKKTNKFI

ClinVar aggregate classification (germline): Conflicting classifications of pathogenicity. Review status: criteria provided, conflicting classifications (1 of 4 stars). 4 submissions from 4 submitters: Uncertain significance (3); Likely benign (1). Last evaluated 2025-01-12.

Conditions:
Hereditary breast ovarian cancer syndrome. Also called: Hereditary breast and ovarian cancer syndrome (HBOC); Hereditary breast and ovarian cancer syndrome; Breast and ovarian cancer; BRCA1- and BRCA2-Associated Hereditary Breast and Ovarian Cancer; Hereditary breast and ovarian cancer; Hereditary breast and/or ovarian cancer syndrome. Identifiers: Orphanet 145, MedGen C0677776, MeSH D061325, MONDO:0003582. Disease mechanism: loss of function.
Hereditary cancer-predisposing syndrome. Also called: Neoplastic Syndromes, Hereditary; Hereditary Cancer Syndrome; Hereditary neoplastic syndrome; Tumor predisposition. Identifiers: Orphanet 140162, MedGen C0027672, MeSH D009386, MONDO:0015356.
BRCA2-related cancer predisposition. Identifiers: MedGen CN377758, MONDO:0700269.

Allele frequency attached by ClinVar (database versions not stated): TOPMed below 0.00001.

Submissions (4):

Labcorp Genetics (formerly Invitae), Labcorp
Classification: Uncertain significance for Hereditary breast ovarian cancer syndrome. Last evaluated: 2025-01-12. Review status: criteria provided, single submitter. Criteria: Invitae Variant Classification Sherloc (09022015). Collection method: clinical testing. Allele origin: germline.
Comment: This sequence change replaces serine, which is neutral and polar, with proline, which is neutral and non-polar, at codon 581 of the BRCA2 protein (p.Ser581Pro). This variant is not present in population databases (gnomAD no frequency). This missense change has been observed in individual(s) with personal and/or family history of breast cancer (PMID: 34570441). ClinVar contains an entry for this variant (Variation ID: 479328). Invitae Evidence Modeling of protein sequence and biophysical properties (such as structural, functional, and spatial information, amino acid conservation, physicochemical variation, residue mobility, and thermodynamic stability) indicates that this missense variant is not expected to disrupt BRCA2 protein function with a negative predictive value of 95%. In summary, the available evidence is currently insufficient to determine the role of this variant in disease. Therefore, it has been classified as a Variant of Uncertain Significance.

All of Us Research Program, National Institutes of Health
Classification: Uncertain significance for BRCA2-related cancer predisposition. Last evaluated: 2024-07-29. Review status: criteria provided, single submitter. Criteria: ACMG Guidelines, 2015. Collection method: clinical testing. Allele origin: germline. Inheritance: Autosomal dominant inheritance. Observed: 2 variant alleles, 2 heterozygotes.
Comment: This missense variant replaces serine with proline at codon 581 of the BRCA2 protein. Computational prediction suggests that this variant may not impact protein structure and function (internally defined REVEL score threshold <= 0.5, PMID: 27666373). To our knowledge, functional studies have not been reported for this variant. This variant has been reported in a family suspected of being affected with hereditary breast cancer (PMID: 34570441). This variant has not been identified in the general population by the Genome Aggregation Database (gnomAD). The available evidence is insufficient to determine the role of this variant in disease conclusively. Therefore, this variant is classified as a Variant of Uncertain Significance.

This study involves interpretation of variants in research participants for the purpose of population health screening. Participant phenotype was not available at the time of variant classification. Additional details can be found in publication PMID: 35346344, PMCID: PMC8962531

Ambry Genetics
Classification: Uncertain significance for Hereditary cancer-predisposing syndrome. Last evaluated: 2023-10-22. Review status: criteria provided, single submitter. Criteria: Ambry Variant Classification Scheme 2023. Collection method: clinical testing. Allele origin: germline.
Comment: The p.S581P variant (also known as c.1741T>C), located in coding exon 9 of the BRCA2 gene, results from a T to C substitution at nucleotide position 1741. The serine at codon 581 is replaced by proline, an amino acid with similar properties. This amino acid position is well conserved in available vertebrate species. In addition, the in silico prediction for this alteration is inconclusive. Since supporting evidence is limited at this time, the clinical significance of this alteration remains unclear.

University of Washington Department of Laboratory Medicine, University of Washington
Classification: Likely benign for Hereditary cancer-predisposing syndrome. Last evaluated: 2023-03-23. Review status: criteria provided, single submitter. Criteria: Dines et al. (Genet Med. 2020). Collection method: curation. Allele origin: germline.
Comment: Missense variant in a coldspot region where missense variants are very unlikely to be pathogenic (PMID:31911673).

BRCA2 exon 10 coldspot. Reclassification based on statistical prior probability.

Literature cited by the submitters: PubMed 34570441 (cited by Labcorp Genetics (formerly Invitae), Labcorp and All of Us Research Program, National Institutes of Health).